The following is an entry in ClinVar:

NM_001130438.3(SPTAN1):c.2872-42G>A

Gene: SPTAN1 (spectrin alpha, non-erythrocytic 1; plus strand). Cytogenetic location: 9q34.11.
Variant type: single nucleotide variant.
Coding change: c.2872-42G>A on transcript NM_001130438.3 (MANE Select); 42 bases into the intron before coding-DNA position 2872, G replaced by A.
Molecular consequence: intron variant.
Genome position (GRCh38, 1-based): chr9:128,588,767, G>A. VCF-style: chr9-128588767-G-A. GRCh37 (hg19) VCF-style: chr9-131351046-G-A.
Other names: c.2872-42G>A (NM_001363759.2, NM_003127.4, NM_001363765.2 and 1 more transcripts).
Identifiers: ClinVar variation 160004 (VCV000160004.8), dbSNP rs4307429, ClinGen allele CA173555.
Genomic context (GRCh38, chr9:128,588,767, plus strand): 5'-TGGTACATTTGGTACAGCTGGTGGCATTTGAATCTGCTCTGTACTTAGATGACTCAGCGC[G>A]GACGTGTTTTTACCATGTTTGCCCTTCCTTTGGATTTTTAGCAACAAGTGGCCCCCACGG-3'

ClinVar aggregate classification (germline): Benign. Review status: criteria provided, multiple submitters, no conflicts (2 of 4 stars). 3 submissions from 3 submitters: Benign (2). 1 of the submissions does not count toward it. Last evaluated 2018-06-26.

Allele frequency attached by ClinVar (database versions not stated): gnomAD exomes 0.00726; TOPMed 0.02979; 1000 Genomes Project 0.02815; gnomAD 0.02839 and 0.02644; 1000 Genomes Project 30x 0.02920; ESP Exome Variant Server 0.03091; ExAC 0.00890.
gnomAD v4.1: 8,232 of 1,612,128 alleles (0.51%); highest among the groups gnomAD compares: African/African-American, 9.2%; 342 homozygotes.

Submissions (3):

GeneDx
Classification: Benign. Last evaluated: 2018-06-26. Review status: criteria provided, single submitter. Criteria: GeneDx Variant Classification Process June 2021. Collection method: clinical testing. Allele origin: germline. Affected: yes.

Breakthrough Genomics
Classification: Benign. Review status: criteria provided, single submitter. Criteria: ACMG Guidelines, 2015. Collection method: not provided. Allele origin: germline. Inheritance: Autosomal dominant inheritance. Affected: yes.

Genetic Services Laboratory, University of Chicago
Classification: Likely benign. Review status: no assertion criteria provided. Collection method: clinical testing. Allele origin: germline. Inheritance: Autosomal dominant inheritance. Not counted in ClinVar's aggregate classification.
Comment: Likely benign based on allele frequency in 1000 Genomes Project or ESP global frequency and its presence in a patient with a rare or unrelated disease phenotype. NOT Sanger confirmed